The following is an entry in ClinVar:

ClinVar aggregate classification (germline): Likely benign (0 of 4 stars; one submission).

Conditions:
TUBGCP2-related disorder. Also called: TUBGCP2-related condition.

gnomAD v4.1: 72 of 1,614,100 alleles (0.0045%); highest among the groups gnomAD compares: Middle Eastern, 0.016%; no homozygotes.

Submission:

PreventionGenetics, part of Exact Sciences
Classification: Likely benign for TUBGCP2-related condition. Last evaluated: 2024-05-13. Review status: no assertion criteria provided. Collection method: clinical testing. Allele origin: germline.
Comment: This variant is classified as likely benign based on ACMG/AMP sequence variant interpretation guidelines (Richards et al. 2015 PMID: 25741868, with internal and published modifications).

NM_006659.4(TUBGCP2):c.2163C>T (p.Asp721=)

Gene: TUBGCP2 (tubulin gamma complex component 2; minus strand). Cytogenetic location: 10q26.3.
Variant type: single nucleotide variant.
Coding change: c.2163C>T on transcript NM_006659.4 (MANE Select); coding-DNA position 2163, C replaced by T.
Protein change: p.Asp721=; no amino-acid change (aspartic acid 721 retained).
Molecular consequence: synonymous variant.
Genome position (GRCh38, 1-based): chr10:133,283,204, G>A on the plus strand (C>T on the coding strand, the complement: TUBGCP2 is on the minus strand). VCF-style: chr10-133283204-G-A. GRCh37 (hg19) VCF-style: chr10-135096708-G-A.
Other names: c.2247C>T, p.Asp749= (NM_001256617.2); c.1773C>T, p.Asp591= (NM_001256618.2).
Identifiers: ClinVar variation 3350363 (VCV003350363.1).
Genomic context (GRCh38, chr10:133,283,204, plus strand): 5'-GTTGGTGAGCATGCAGTCCTTCAGGCAGGTGTCCAGGAAGCCTGTGTGGTGGCCAAGGAC[G>A]TCGTCAATGTTGGAGGCCTGCGGGGAACAGGCCAAGCCCCTTCTCAGAAAGACGTGGCTG-3'
Protein context (NP_006650.1, residues 711-731): KNLKSASNID[Asp721=]VLGHHTGFLD